The following is an entry in ClinVar:

ClinVar aggregate classification (germline): Pathogenic/Likely pathogenic. Review status: criteria provided, multiple submitters, no conflicts (2 of 4 stars). 4 submissions from 4 submitters: Pathogenic (2); Likely pathogenic (2). Last evaluated 2025-07-10.

Conditions:
SMARCA2-related disorder. Also called: SMARCA2-related condition.
Nicolaides-Baraitser syndrome (NCBRS). Also called: SMARCA2-Related Nicolaides-Baraitser Syndrome; Intellectual disability-sparse hair-brachydactyly syndrome. Identifiers: Orphanet 3051, MedGen C1303073, MONDO:0011053, OMIM 601358.

Submissions (4):

GeneDx
Classification: Pathogenic. Last evaluated: 2025-07-10. Review status: criteria provided, single submitter. Criteria: GeneDx Variant Classification Process June 2021. Collection method: clinical testing. Allele origin: germline. Affected: yes.
Comment: In silico analysis supports that this missense variant has a deleterious effect on protein structure/function; Not observed at significant frequency in large population cohorts (gnomAD); This variant is associated with the following publications: (PMID: 31785789, 33057194, 35982159, 37500730)

Blueprint Genetics
Classification: Likely pathogenic for SMARCA2-related disorders. Last evaluated: 2023-11-28. Review status: criteria provided, single submitter. Criteria: ACMG Guidelines, 2015. Collection method: clinical testing. Allele origin: germline. Affected: yes. Observed: 1 variant allele.

Victorian Clinical Genetics Services, Murdoch Childrens Research Institute
Classification: Pathogenic for Nicolaides-Baraitser syndrome. Last evaluated: 2022-09-02. Review status: criteria provided, single submitter. Criteria: ACMG Guidelines, 2015. Collection method: clinical testing. Allele origin: germline. Inheritance: Autosomal dominant inheritance. Affected: yes.
Comment: Based on the classification scheme VCGS_Germline_v1.3.4, this variant is classified as Pathogenic. Following criteria are met: 0105 - The mechanism of disease for this gene is not clearly established. However, dominant negative is a likely mechanism (PMID: 22366787). (I) 0107 - This gene is associated with autosomal dominant disease. (I) 0200 - Variant is predicted to result in a missense amino acid change from arginine to cysteine. (I) 0251 - This variant is heterozygous. (I) 0301 - Variant is absent from gnomAD (both v2 and v3). (SP) 0501 - Missense variant consistently predicted to be damaging by multiple in silico tools or highly conserved with a major amino acid change. (SP) 0603 - Missense variant in a region that is highly intolerant to missense variation (high constraint region in DECIPHER). (SP) 0703 - Another missense variant comparable to the one identified in this case has moderate previous evidence for pathogenicity. This alternative change, p.(Arg1162His), has been reported as likely pathogenic and pathogenic, and observed in at least two individuals with Nicolaides-Baraitser syndrome (ClinVar, PMID: 22366787). (SP) 0802 - This variant has moderate previous evidence of pathogenicity in unrelated individuals. This variant has been reported as pathogenic and likely pathogenic, and observed at least three individuals with features including seizures, coarse facial features, microcephaly, motor delay and intellectual disability. The variant was shown to be de novo in one of these individuals (ClinVar, DECIPHER, PMID: 22366787, PMID: 31785789). (SP) 1102 - Strong phenotype match for this individual. (SP) Legend: (SP) - Supporting pathogenic, (I) - Information, (SB) - Supporting benign

3billion
Classification: Likely pathogenic for Nicolaides-Baraitser syndrome. Last evaluated: 2022-05-22. Review status: criteria provided, single submitter. Criteria: ACMG Guidelines, 2015. Collection method: clinical testing. Allele origin: germline. Affected: yes. Observed: 1 heterozygote.
Comment: The variant is not observed in the gnomAD v2.1.1 dataset. The variant is located in a mutational hot spot and/or well-established functional domain in which established pathogenic variants have been reported. Missense changes are a common disease-causing mechanism. In silico tool predictions suggest damaging effect of the variant on gene or gene product (REVEL: 0.95; 3Cnet: 1.00). Same nucleotide change resulting in same amino acid change has been previously reported to be associated with SMARCA2 related disorder (ClinVar ID: VCV000373431). A different missense change at the same codon (p.Arg1162His) has been reported as pathogenic/likely pathogenic with strong evidence (ClinVar ID: VCV000030014). Therefore, this variant is classified as likely pathogenic according to the recommendation of ACMG/AMP guideline.

Literature cited by the submitters: PubMed 22366787 (cited by Victorian Clinical Genetics Services, Murdoch Childrens Research Institute); PubMed 31785789 (cited by Victorian Clinical Genetics Services, Murdoch Childrens Research Institute).

NM_003070.5(SMARCA2):c.3484C>T (p.Arg1162Cys)

Gene: SMARCA2 (SWI/SNF related BAF chromatin remodeling complex subunit ATPase 2; plus strand). Cytogenetic location: 9p24.3.
Variant type: single nucleotide variant.
Coding change: c.3484C>T on transcript NM_003070.5 (MANE Select); coding-DNA position 3484, C replaced by T.
Protein change: p.Arg1162Cys; replaces arginine 1162 with cysteine.
Molecular consequence: missense variant.
Genome position (GRCh38, 1-based): chr9:2,115,849, C>T. VCF-style: chr9-2115849-C-T. GRCh37 (hg19) VCF-style: chr9-2115849-C-T.
Other names: c.3484C>T (NM_003070.4); c.3484C>T, p.Arg1162Cys (NM_001289396.2, NM_139045.4); c.3310C>T, p.Arg1104Cys (NM_001289397.2); short protein forms R1162C, R1104C.
Identifiers: ClinVar variation 373431 (VCV000373431.9), dbSNP rs1057518414, ClinGen allele CA16042776.